The following is an entry in ClinVar:

ClinVar aggregate classification (germline): Likely benign (1 of 4 stars; one submission).

Submission:

GeneDx
Classification: Likely benign. Last evaluated: 2017-08-09. Review status: criteria provided, single submitter. Criteria: GeneDx Variant Classification (06012015). Collection method: clinical testing. Allele origin: germline. Affected: yes.
Comment: This variant is considered likely benign or benign based on one or more of the following criteria: it is a conservative change, it occurs at a poorly conserved position in the protein, it is predicted to be benign by multiple in silico algorithms, and/or has population frequency not consistent with disease.

NM_000393.5(COL5A2):c.323-9T>A

Gene: COL5A2 (collagen type V alpha 2 chain; minus strand). Cytogenetic location: 2q32.2.
Variant type: single nucleotide variant.
Coding change: c.323-9T>A on transcript NM_000393.5 (MANE Select); 9 bases into the intron before coding-DNA position 323, T replaced by A.
Molecular consequence: intron variant.
Genome position (GRCh38, 1-based): chr2:189,104,286, A>T on the plus strand (T>A on the coding strand, the complement: COL5A2 is on the minus strand). VCF-style: chr2-189104286-A-T. GRCh37 (hg19) VCF-style: chr2-189969012-A-T.
Identifiers: ClinVar variation 511329 (VCV000511329.1), dbSNP rs1553518634, ClinGen allele CA658796109.
Genomic context (GRCh38, chr2:189,104,286, plus strand): 5'-CTGCTTATGAAAAAGAAAATATGCAAAGTAACACTTACCTTTCTTCCTCTACCTGTAAAA[A>T]GAAAAGAGTAAATGTGTTATTTTATGAGGAAACAATTATTGAGAATCTGCTAAATATTTA-3'